The following is an entry in ClinVar:

ClinVar aggregate classification (germline): Uncertain significance (1 of 4 stars; one submission).

gnomAD v4.1: 10 of 1,614,046 alleles (0.00062%); highest among the groups gnomAD compares: Admixed American, 0.0017%; no homozygotes.

Submission:

Labcorp Genetics (formerly Invitae), Labcorp
Classification: Uncertain significance. Last evaluated: 2024-04-14. Review status: criteria provided, single submitter. Criteria: Invitae Variant Classification Sherloc (09022015). Collection method: clinical testing. Allele origin: germline.
Comment: This sequence change replaces asparagine, which is neutral and polar, with serine, which is neutral and polar, at codon 583 of the EFTUD2 protein (p.Asn583Ser). This variant is present in population databases (rs769196971, gnomAD 0.003%). This variant has not been reported in the literature in individuals affected with EFTUD2-related conditions. Advanced modeling of protein sequence and biophysical properties (such as structural, functional, and spatial information, amino acid conservation, physicochemical variation, residue mobility, and thermodynamic stability) performed at Invitae indicates that this missense variant is not expected to disrupt EFTUD2 protein function with a negative predictive value of 80%. In summary, the available evidence is currently insufficient to determine the role of this variant in disease. Therefore, it has been classified as a Variant of Uncertain Significance.

NM_004247.4(EFTUD2):c.1748A>G (p.Asn583Ser)

Gene: EFTUD2 (elongation factor Tu GTP binding domain containing 2; minus strand). Cytogenetic location: 17q21.31.
Variant type: single nucleotide variant.
Coding change: c.1748A>G on transcript NM_004247.4 (MANE Select); coding-DNA position 1748, A replaced by G.
Protein change: p.Asn583Ser; replaces asparagine 583 with serine.
Molecular consequence: missense variant.
Genome position (GRCh38, 1-based): chr17:44,860,017, T>C on the plus strand (A>G on the coding strand, the complement: EFTUD2 is on the minus strand). VCF-style: chr17-44860017-T-C. GRCh37 (hg19) VCF-style: chr17-42937385-T-C.
Other names: c.1643A>G, p.Asn548Ser (NM_001142605.2); c.1748A>G, p.Asn583Ser (NM_001258353.2); c.1718A>G, p.Asn573Ser (NM_001258354.2); short protein forms N548S, N573S, N583S.
Identifiers: ClinVar variation 3618315 (VCV003618315.2).